The following is an entry in ClinVar:

ClinVar aggregate classification (germline): Uncertain significance (1 of 4 stars; one submission).

Allele frequency attached by ClinVar (database versions not stated): TOPMed below 0.00001; gnomAD 0.00001.
gnomAD v4.1: 2 of 1,614,058 alleles (0.00012%); highest among the groups gnomAD compares: Non-Finnish European, 0.00017%; no homozygotes.

Submission:

Labcorp Genetics (formerly Invitae), Labcorp
Classification: Uncertain significance. Last evaluated: 2024-07-01. Review status: criteria provided, single submitter. Criteria: Invitae Variant Classification Sherloc (09022015). Collection method: clinical testing. Allele origin: germline.
Comment: This sequence change replaces lysine, which is basic and polar, with asparagine, which is neutral and polar, at codon 739 of the MTHFD1 protein (p.Lys739Asn). This variant is present in population databases (no rsID available, gnomAD 0.007%). This variant has not been reported in the literature in individuals affected with MTHFD1-related conditions. ClinVar contains an entry for this variant (Variation ID: 1903301). Advanced modeling of protein sequence and biophysical properties (such as structural, functional, and spatial information, amino acid conservation, physicochemical variation, residue mobility, and thermodynamic stability) performed at Invitae indicates that this missense variant is not expected to disrupt MTHFD1 protein function with a negative predictive value of 80%. In summary, the available evidence is currently insufficient to determine the role of this variant in disease. Therefore, it has been classified as a Variant of Uncertain Significance.

NM_005956.4(MTHFD1):c.2217G>C (p.Lys739Asn)

Gene: MTHFD1 (methylenetetrahydrofolate dehydrogenase, cyclohydrolase and formyltetrahydrofolate synthetase 1; plus strand). Cytogenetic location: 14q23.3.
Variant type: single nucleotide variant.
Coding change: c.2217G>C on transcript NM_005956.4 (MANE Select); coding-DNA position 2217, G replaced by C.
Protein change: p.Lys739Asn; replaces lysine 739 with asparagine.
Molecular consequence: missense variant.
Genome position (GRCh38, 1-based): chr14:64,448,255, G>C. VCF-style: chr14-64448255-G-C. GRCh37 (hg19) VCF-style: chr14-64914973-G-C.
Other names: c.2217G>C, p.Lys739Asn (NM_001364837.1); short protein forms K739N.
Identifiers: ClinVar variation 1903301 (VCV001903301.5), dbSNP rs747867576, ClinGen allele CA390001552.